The following is an entry in ClinVar:

ClinVar aggregate classification (germline): Uncertain significance (1 of 4 stars; one submission).

Conditions:
Familial cold autoinflammatory syndrome 3 (FCAS3). Also called: ANTIBODY DEFICIENCY AND IMMUNE DYSREGULATION, PLCG2-ASSOCIATED; FAMILIAL ATYPICAL COLD URTICARIA. Identifiers: Orphanet 300359, MedGen C3280914, MONDO:0013766, OMIM 614468.

Submission:

Labcorp Genetics (formerly Invitae), Labcorp
Classification: Uncertain significance for Familial cold autoinflammatory syndrome 3. Last evaluated: 2025-05-27. Review status: criteria provided, single submitter. Criteria: Invitae Variant Classification Sherloc (09022015). Collection method: clinical testing. Allele origin: germline.
Comment: This sequence change replaces aspartic acid, which is acidic and polar, with glutamic acid, which is acidic and polar, at codon 383 of the PLCG2 protein (p.Asp383Glu). This variant is not present in population databases (gnomAD no frequency). This variant has not been reported in the literature in individuals affected with PLCG2-related conditions. An algorithm developed to predict the effect of missense changes on protein structure and function (PolyPhen-2) suggests that this variant is likely to be tolerated. In summary, the available evidence is currently insufficient to determine the role of this variant in disease. Therefore, it has been classified as a Variant of Uncertain Significance.

NM_002661.5(PLCG2):c.1149C>A (p.Asp383Glu)

Gene: PLCG2 (phospholipase C gamma 2; plus strand). Cytogenetic location: 16q23.3.
Variant type: single nucleotide variant.
Coding change: c.1149C>A on transcript NM_002661.5 (MANE Select); coding-DNA position 1149, C replaced by A.
Protein change: p.Asp383Glu; replaces aspartic acid 383 with glutamic acid.
Molecular consequence: missense variant.
Genome position (GRCh38, 1-based): chr16:81,895,883, C>A. VCF-style: chr16-81895883-C-A. GRCh37 (hg19) VCF-style: chr16-81929488-C-A.
Other names: c.1149C>A, p.Asp383Glu (NM_001425749.1, NM_001425750.1, NM_001425751.1); short protein forms D383E.
Identifiers: ClinVar variation 4719601 (VCV004719601.1).